The following is an entry in ClinVar:

ClinVar aggregate classification (germline): Uncertain significance (1 of 4 stars; one submission).

Submission:

Labcorp Genetics (formerly Invitae), Labcorp
Classification: Uncertain significance. Last evaluated: 2023-12-14. Review status: criteria provided, single submitter. Criteria: Invitae Variant Classification Sherloc (09022015). Collection method: clinical testing. Allele origin: germline.
Comment: This sequence change replaces valine, which is neutral and non-polar, with isoleucine, which is neutral and non-polar, at codon 196 of the PROKR2 protein (p.Val196Ile). Information on the frequency of this variant in the gnomAD database is not available, as this variant may be reported differently in the database. This variant has not been reported in the literature in individuals affected with PROKR2-related conditions. ClinVar contains an entry for this variant (Variation ID: 1401673). Experimental studies and prediction algorithms are not available or were not evaluated, and the functional significance of this variant is currently unknown. In summary, the available evidence is currently insufficient to determine the role of this variant in disease. Therefore, it has been classified as a Variant of Uncertain Significance.

NM_144773.4(PROKR2):c.585_586delinsCA (p.Val196Ile)

Gene: PROKR2 (prokineticin receptor 2; minus strand). Cytogenetic location: 20p12.3.
Variant type: Indel.
Coding change: c.585_586delinsCA on transcript NM_144773.4 (MANE Select); coding-DNA positions 585 to 586, GG replaced by CA.
Protein change: p.Val196Ile; replaces valine 196 with isoleucine.
Molecular consequence: missense variant.
Genome position (GRCh38, 1-based): chr20:5,302,609-5,302,610, CC replaced by TG on the plus strand (GG replaced by CA on the coding strand, the reverse complement: PROKR2 is on the minus strand). VCF-style: chr20-5302609-CC-TG. GRCh37 (hg19) VCF-style: chr20-5283255-CC-TG.
Other names: short protein forms V196I.
Identifiers: ClinVar variation 1401673 (VCV001401673.6), dbSNP rs2122204966, ClinGen allele CA2573157002.